The following is an entry in ClinVar:

ClinVar aggregate classification (germline): Likely benign. Review status: criteria provided, multiple submitters, no conflicts (2 of 4 stars). 2 submissions from 2 submitters: Likely benign (2). Last evaluated 2025-01-06.

Allele frequency attached by ClinVar (database versions not stated): ExAC 0.00004; TOPMed 0.00004; gnomAD 0.00006; ESP Exome Variant Server 0.00015.
gnomAD v4.1: 22 of 1,614,186 alleles (0.0014%); highest among the groups gnomAD compares: African/African-American, 0.015%; no homozygotes.

Submissions (2):

Labcorp Genetics (formerly Invitae), Labcorp
Classification: Likely benign. Last evaluated: 2025-01-06. Review status: criteria provided, single submitter. Criteria: Invitae Variant Classification Sherloc (09022015). Collection method: clinical testing. Allele origin: germline.

Women's Health and Genetics/Laboratory Corporation of America, LabCorp
Classification: Likely benign. Last evaluated: 2024-08-07. Review status: criteria provided, single submitter. Criteria: LabCorp Variant Classification Summary - May 2015. Collection method: clinical testing. Allele origin: germline.
Comment: Variant summary: SIN3A c.3411A>G alters a conserved nucleotide resulting in a synonymous change. Consensus agreement among computation tools predict no significant impact on normal splicing. However, these predictions have yet to be confirmed by functional studies. The variant allele was found at a frequency of 3.2e-05 in 251326 control chromosomes. The available data on variant occurrences in the general population are insufficient to allow any conclusion about variant significance. To our knowledge, no occurrence of c.3411A>G in individuals affected with SIN3A-Related Intellectual Disability Syndrome and no experimental evidence demonstrating its impact on protein function have been reported. ClinVar contains an entry for this variant (Variation ID: 2957160). Based on the evidence outlined above, the variant was classified as likely benign.

NM_001145358.2(SIN3A):c.3411A>G (p.Gln1137=)

Gene: SIN3A (SIN3 transcription regulator family member A; minus strand). Cytogenetic location: 15q24.2.
Variant type: single nucleotide variant.
Coding change: c.3411A>G on transcript NM_001145358.2 (MANE Select); coding-DNA position 3411, A replaced by G.
Protein change: p.Gln1137=; no amino-acid change (glutamine 1137 retained).
Molecular consequence: synonymous variant.
Genome position (GRCh38, 1-based): chr15:75,375,845, T>C on the plus strand (A>G on the coding strand, the complement: SIN3A is on the minus strand). VCF-style: chr15-75375845-T-C. GRCh37 (hg19) VCF-style: chr15-75668186-T-C.
Other names: c.3411A>G, p.Gln1137= (NM_001145357.2, NM_015477.3).
Identifiers: ClinVar variation 2957160 (VCV002957160.4), dbSNP rs141700684, ClinGen allele CA7667234.